The following is an entry in ClinVar:

NM_080473.5(GATA5):c.682C>G (p.Arg228Gly)

Gene: GATA5 (GATA binding protein 5; minus strand). Cytogenetic location: 20q13.33.
Variant type: single nucleotide variant.
Coding change: c.682C>G on transcript NM_080473.5 (MANE Select); coding-DNA position 682, C replaced by G.
Protein change: p.Arg228Gly; replaces arginine 228 with glycine.
Molecular consequence: missense variant.
Genome position (GRCh38, 1-based): chr20:62,473,420, G>C on the plus strand (C>G on the coding strand, the complement: GATA5 is on the minus strand). VCF-style: chr20-62473420-G-C. GRCh37 (hg19) VCF-style: chr20-61048476-G-C.
Other names: short protein forms R228G.
Identifiers: ClinVar variation 1943926 (VCV001943926.5), dbSNP rs6061554, ClinGen allele CA409554749.

ClinVar aggregate classification (germline): Uncertain significance (1 of 4 stars; one submission).

Allele frequency attached by ClinVar (database versions not stated): gnomAD 0.00001.

Submission:

Labcorp Genetics (formerly Invitae), Labcorp
Classification: Uncertain significance. Last evaluated: 2021-12-24. Review status: criteria provided, single submitter. Criteria: Invitae Variant Classification Sherloc (09022015). Collection method: clinical testing. Allele origin: germline.
Comment: This sequence change replaces arginine, which is basic and polar, with glycine, which is neutral and non-polar, at codon 228 of the GATA5 protein (p.Arg228Gly). This variant is present in population databases (no rsID available, gnomAD 0.009%). This variant has not been reported in the literature in individuals affected with GATA5-related conditions. Algorithms developed to predict the effect of missense changes on protein structure and function are either unavailable or do not agree on the potential impact of this missense change (SIFT: "Deleterious"; PolyPhen-2: "Possibly Damaging"; Align-GVGD: "Class C0"). In summary, the available evidence is currently insufficient to determine the role of this variant in disease. Therefore, it has been classified as a Variant of Uncertain Significance.